The following is an entry in ClinVar:

ClinVar aggregate classification (germline): Likely pathogenic. Review status: criteria provided, multiple submitters, no conflicts (2 of 4 stars). 2 submissions from 2 submitters: Likely pathogenic (2). Last evaluated 2025-05-13.

Conditions:
Familial thoracic aortic aneurysm and aortic dissection (TAAD). Also called: Thoracic aortic aneurysms and dissections. Identifiers: Orphanet 91387, MedGen C4707243, MONDO:0019625.
Congenital contractural arachnodactyly (CCA). Also called: BEALS SYNDROME; Arthrogryposis, distal, type 9; Beals-Hecht syndrome. Identifiers: Orphanet 115, MedGen C0220668, MONDO:0007363, OMIM 121050.

Submissions (2):

Labcorp Genetics (formerly Invitae), Labcorp
Classification: Likely pathogenic for Congenital contractural arachnodactyly. Last evaluated: 2025-05-13. Review status: criteria provided, single submitter. Criteria: Invitae Variant Classification Sherloc (09022015). Collection method: clinical testing. Allele origin: germline.
Comment: This sequence change replaces cysteine, which is neutral and slightly polar, with phenylalanine, which is neutral and non-polar, at codon 1447 of the FBN2 protein (p.Cys1447Phe). This variant is not present in population databases (gnomAD no frequency). This missense change has been observed in individual(s) with FBN2-related conditions (internal data). ClinVar contains an entry for this variant (Variation ID: 1739861). Invitae Evidence Modeling of protein sequence and biophysical properties (such as structural, functional, and spatial information, amino acid conservation, physicochemical variation, residue mobility, and thermodynamic stability) indicates that this missense variant is expected to disrupt FBN2 protein function with a positive predictive value of 80%. This variant affects a cysteine residue located within an epidermal growth factor (EGF)–like domain of the FBN2 protein. Cysteine residues in these domains are involved in the formation of disulfide bridges critical for protein structure and stability (PMID: 3495735, 4750422, 16677079). In addition, missense substitutions within the FBN2 EGF-like domains affecting cysteine residues are overrepresented in patients with congenital contractural arachnodactyly (PMID: 18767143). In summary, the currently available evidence indicates that the variant is pathogenic, but additional data are needed to prove that conclusively. Therefore, this variant has been classified as Likely Pathogenic.

Ambry Genetics
Classification: Likely pathogenic for Familial thoracic aortic aneurysm and aortic dissection. Last evaluated: 2020-03-30. Review status: criteria provided, single submitter. Criteria: Ambry Variant Classification Scheme 2023. Collection method: clinical testing. Allele origin: germline.
Comment: The p.C1447F variant (also known as c.4340G>T), located in coding exon 33 of the FBN2 gene, results from a G to T substitution at nucleotide position 4340. The cysteine at codon 1447 is replaced by phenylalanine, an amino acid with highly dissimilar properties, and is located in the cbEGF-like #21 domain. In one study, 13 of 14 reported FBN2 mutations were found in the middle region of the gene (exons 24-36), and 7 of these mutations were noted to alter or produce a cysteine residue (Callewaert BL et al. Hum Mutat. 2009;30(3):334-341). Based on internal structural analysis, C1447F prevents the formation of a structural disulfide bond in the cbEGF-like 23 domain of FBN2. While this is likely to disrupt the structure and other properties of the protein, there are no pathogenic variants in the same domain to point to pathogenicity (Rao Z et al. Cell, 1995 Jul;82:131-41; Reinhardt DP et al. J. Biol. Chem., 1997 Mar;272:7368-73; Eriksen TA et al. Proteins, 2001 Oct;45:90-5; Smallridge RS et al. J. Biol. Chem., 2003 Apr;278:12199-206). This amino acid position is highly conserved in available vertebrate species. In addition, this alteration is predicted to be deleterious by in silico analysis. Based on the majority of available evidence to date, this variant is likely to be pathogenic.

Literature cited by the submitters: PubMed 3495735 (cited by Labcorp Genetics (formerly Invitae), Labcorp); PubMed 4750422 (cited by Labcorp Genetics (formerly Invitae), Labcorp); PubMed 16677079 (cited by Labcorp Genetics (formerly Invitae), Labcorp); PubMed 18767143 (cited by Labcorp Genetics (formerly Invitae), Labcorp); PubMed 11536364 (cited by Ambry Genetics); PubMed 12511552 (cited by Ambry Genetics); PubMed 7606779 (cited by Ambry Genetics); PubMed 9054436 (cited by Ambry Genetics).

NM_001999.4(FBN2):c.4340G>T (p.Cys1447Phe)

Gene: FBN2 (fibrillin 2; minus strand). Cytogenetic location: 5q23.3.
Variant type: single nucleotide variant.
Coding change: c.4340G>T on transcript NM_001999.4 (MANE Select); coding-DNA position 4340, G replaced by T.
Protein change: p.Cys1447Phe; replaces cysteine 1447 with phenylalanine.
Molecular consequence: missense variant.
Genome position (GRCh38, 1-based): chr5:128,330,578, C>A on the plus strand (G>T on the coding strand, the complement: FBN2 is on the minus strand). VCF-style: chr5-128330578-C-A. GRCh37 (hg19) VCF-style: chr5-127666270-C-A.
Other names: short protein forms C1447F.
Identifiers: ClinVar variation 1739861 (VCV001739861.4), dbSNP rs2126888942, ClinGen allele CA360753806.